The following is an entry in ClinVar:

ClinVar aggregate classification (germline): Conflicting classifications of pathogenicity. Review status: criteria provided, conflicting classifications (1 of 4 stars). 5 submissions from 5 submitters: Uncertain significance (1); Benign (1); Likely benign (2). 1 of the submissions does not count toward it. Last evaluated 2026-07-01.

Conditions:
Fanconi anemia complementation group P. Also called: SLX4-Related Fanconi Anemia. Identifiers: Orphanet 84, MedGen C3469542, MONDO:0013499, OMIM 613951.
Fanconi anemia (FA). Also called: Fanconi's anemia. Identifiers: Orphanet 84, MedGen C0015625, MeSH D005199, MONDO:0019391.

Allele frequency attached by ClinVar (database versions not stated): 1000 Genomes Project 0.00020; 1000 Genomes Project 30x 0.00031; gnomAD exomes 0.00045 and 0.00104; gnomAD 0.00059 and 0.00060; ESP Exome Variant Server 0.00069; TOPMed 0.00070; ExAC 0.00092.
gnomAD v4.1: 805 of 1,614,132 alleles (0.05%); highest among the groups gnomAD compares: African/African-American, 0.048%; 7 homozygotes.

Submissions (5):

CeGaT Center for Human Genetics Tuebingen
Classification: Likely benign. Last evaluated: 2026-07-01. Review status: criteria provided, single submitter. Criteria: CeGaT Center For Human Genetics Tuebingen Variant Classification Criteria Version 2. Collection method: clinical testing. Allele origin: germline. Affected: yes. Observed: 3 variant alleles.
Comment: SLX4: BP4

Labcorp Genetics (formerly Invitae), Labcorp
Classification: Benign for Fanconi anemia. Last evaluated: 2026-01-25. Review status: criteria provided, single submitter. Criteria: Invitae Variant Classification Sherloc (09022015). Collection method: clinical testing. Allele origin: germline.

Illumina Laboratory Services, Illumina
Classification: Uncertain significance for Fanconi anemia complementation group P. Last evaluated: 2018-01-13. Review status: criteria provided, single submitter. Criteria: ICSL Variant Classification Criteria 13 December 2019. Collection method: clinical testing. Allele origin: germline.

Genetic Services Laboratory, University of Chicago
Classification: Likely benign. Last evaluated: 2017-02-24. Review status: criteria provided, single submitter. Criteria: ACMG Guidelines, 2015. Collection method: clinical testing. Allele origin: germline. Affected: no.

Leiden Open Variation Database
Classification: Likely benign. Last evaluated: 2012-08-31. Review status: no assertion criteria provided. Collection method: curation. Allele origin: germline. Affected: yes. Not counted in ClinVar's aggregate classification.
Comment: Curator: Arleen D. Auerbach. Submitter to LOVD: Janine Bakker.

Literature cited by the submitters: PubMed 22911665 (cited by Leiden Open Variation Database).

NM_032444.4(SLX4):c.3178C>T (p.Arg1060Trp)

Gene: SLX4 (SLX4 structure-specific endonuclease subunit; minus strand). Cytogenetic location: 16p13.3.
Variant type: single nucleotide variant.
Coding change: c.3178C>T on transcript NM_032444.4 (MANE Select); coding-DNA position 3178, C replaced by T.
Protein change: p.Arg1060Trp; replaces arginine 1060 with tryptophan.
Molecular consequence: missense variant.
Genome position (GRCh38, 1-based): chr16:3,590,460, G>A on the plus strand (C>T on the coding strand, the complement: SLX4 is on the minus strand). VCF-style: chr16-3590460-G-A. GRCh37 (hg19) VCF-style: chr16-3640461-G-A.
Other names: c.3178C>T (LRG_503t1); short protein forms R1060W.
Identifiers: ClinVar variation 414700 (VCV000414700.46), dbSNP rs144273492, ClinGen allele CA7865977.